The following is an entry in ClinVar:

ClinVar aggregate classification (germline): Pathogenic/Likely pathogenic. Review status: criteria provided, multiple submitters, no conflicts (2 of 4 stars). 2 submissions from 2 submitters: Pathogenic (1); Likely pathogenic (1). Last evaluated 2025-03-22.

Conditions:
Cockayne syndrome. Identifiers: Orphanet 191, MedGen C0009207, MONDO:0016006.

Submissions (2):

Labcorp Genetics (formerly Invitae), Labcorp
Classification: Pathogenic. Last evaluated: 2025-03-22. Review status: criteria provided, single submitter. Criteria: Invitae Variant Classification Sherloc (09022015). Collection method: clinical testing. Allele origin: germline.
Comment: This sequence change creates a premature translational stop signal (p.Glu14Valfs*67) in the ERCC6 gene. It is expected to result in an absent or disrupted protein product. Loss-of-function variants in ERCC6 are known to be pathogenic (PMID: 18628313, 29572252). This variant is not present in population databases (gnomAD no frequency). This variant has not been reported in the literature in individuals affected with ERCC6-related conditions. ClinVar contains an entry for this variant (Variation ID: 845429). For these reasons, this variant has been classified as Pathogenic.

Women's Health and Genetics/Laboratory Corporation of America, LabCorp
Classification: Likely pathogenic for Cockayne syndrome. Last evaluated: 2023-02-20. Review status: criteria provided, single submitter. Criteria: LabCorp Variant Classification Summary - May 2015. Collection method: clinical testing. Allele origin: germline.
Comment: Variant summary: ERCC6 c.41_50del10 (p.Glu14ValfsX67) results in a premature termination codon, predicted to cause a truncation of the encoded protein or absence of the protein due to nonsense mediated decay, which are commonly known mechanisms for disease. Truncations downstream of this position have been classified as pathogenic by our laboratory. The variant was absent in 251458 control chromosomes. To our knowledge, no occurrence of c.41_50del10 in individuals affected with Cockayne Syndrome and no experimental evidence demonstrating its impact on protein function have been reported. One clinical diagnostic laboratory has submitted clinical-significance assessments for this variant to ClinVar after 2014 without evidence for independent evaluation. One laboratory classified the variant as pathogenic/likely pathogenic. Based on the evidence outlined above, the variant was classified as likely pathogenic.

Literature cited by the submitters: PubMed 18628313 (cited by Labcorp Genetics (formerly Invitae), Labcorp); PubMed 29572252 (cited by Labcorp Genetics (formerly Invitae), Labcorp).

NM_000124.4(ERCC6):c.41_50del (p.Glu14fs)

Gene: ERCC6 (ERCC excision repair 6, chromatin remodeling factor; minus strand). Cytogenetic location: 10q11.23.
Variant type: Deletion.
Coding change: c.41_50del on transcript NM_000124.4 (MANE Select); coding-DNA positions 41 to 50, 10 bases deleted (AGCAAGACTG; older notation c.41_50delAGCAAGACTG).
Protein change: p.Glu14fs; shifts the reading frame from glutamic acid 14.
Molecular consequence: frameshift variant.
Genome position (GRCh38, 1-based): chr10:49,532,915-49,532,924, CAGTCTTGCT deleted on the plus strand (AGCAAGACTG on the coding strand, the reverse complement: ERCC6 is on the minus strand); deleting any 10 consecutive bases within chr10:49,532,915-49,532,925 gives the same sequence; the c. name uses the placement nearest the transcript's 3' end. VCF-style (leftmost placement, unchanged base first): chr10-49532914-ACAGTCTTGCT-A. GRCh37 (hg19) VCF-style: chr10-50740960-ACAGTCTTGCT-A.
Other names: c.41_50del10 (NM_000124.3); c.41_50del, p.Glu14fs (NM_001277058.2, NM_001277059.2, NM_001346440.2); short protein forms E14fs.
Identifiers: ClinVar variation 845429 (VCV000845429.11), dbSNP rs1272960343, ClinGen allele CA666056350.